The following is an entry in ClinVar:

NM_001184.4(ATR):c.1829T>C (p.Leu610Ser)

Gene: ATR (ATR checkpoint kinase; minus strand). Cytogenetic location: 3q23.
Variant type: single nucleotide variant.
Coding change: c.1829T>C on transcript NM_001184.4 (MANE Select); coding-DNA position 1829, T replaced by C.
Protein change: p.Leu610Ser; replaces leucine 610 with serine.
Molecular consequence: missense variant.
Genome position (GRCh38, 1-based): chr3:142,558,680, A>G on the plus strand (T>C on the coding strand, the complement: ATR is on the minus strand). VCF-style: chr3-142558680-A-G. GRCh37 (hg19) VCF-style: chr3-142277522-A-G.
Other names: c.1637T>C, p.Leu546Ser (NM_001354579.2); short protein forms L546S, L610S.
Identifiers: ClinVar variation 3221065 (VCV003221065.1), dbSNP rs2473407568, ClinGen allele CA354820959.

ClinVar aggregate classification (germline): Uncertain significance (1 of 4 stars; one submission).

Conditions:
Inborn genetic diseases. Identifiers: MedGen C0950123, MeSH D030342.

Submission:

Ambry Genetics
Classification: Uncertain significance for Inborn genetic diseases. Last evaluated: 2023-09-23. Review status: criteria provided, single submitter. Criteria: Ambry Variant Classification Scheme 2023. Collection method: clinical testing. Allele origin: germline.
Comment: The p.L610S variant (also known as c.1829T>C), located in coding exon 8 of the ATR gene, results from a T to C substitution at nucleotide position 1829. The leucine at codon 610 is replaced by serine, an amino acid with dissimilar properties. This amino acid position is conserved. In addition, the in silico prediction for this alteration is inconclusive. Since supporting evidence is limited at this time, the clinical significance of this alteration remains unclear.